The following is an entry in ClinVar:

ClinVar aggregate classification (germline): Uncertain significance (1 of 4 stars; one submission).

Conditions:
Hypertrophic cardiomyopathy 10. Also called: CARDIOMYOPATHY, HYPERTROPHIC, MID-LEFT VENTRICULAR CHAMBER TYPE, 2; MYL2-Related Familial Hypertrophic Cardiomyopathy. Identifiers: MedGen C1834460, MONDO:0012112, OMIM 608758.

Submission:

Labcorp Genetics (formerly Invitae), Labcorp
Classification: Uncertain significance for Hypertrophic cardiomyopathy 10. Last evaluated: 2023-04-11. Review status: criteria provided, single submitter. Criteria: Invitae Variant Classification Sherloc (09022015). Collection method: clinical testing. Allele origin: germline.
Comment: A copy number gain of the genomic region encompassing the full coding sequence of the MYL2 gene has been identified. The boundaries of this event are unknown as they extend beyond the assayed region for this gene and therefore may encompass additional genes. As the precise location of this event is unknown, it may be in tandem or it may be located elsewhere in the genome. In summary, the available evidence is currently insufficient to determine the role of this variant in disease. Therefore, it has been classified as a Variant of Uncertain Significance. This variant has not been reported in the literature in individuals affected with MYL2-related conditions.

NC_000012.11:g.(?_111348881)_(111358333_?)dup

Gene: MYL2 (myosin light chain 2; minus strand). Cytogenetic location: 12q24.11.
Variant type: Duplication.
Identifiers: ClinVar variation 2423083 (VCV002423083.5).